The following is an entry in ClinVar:

ClinVar aggregate classification (germline): Uncertain significance (1 of 4 stars; one submission).

Submission:

Labcorp Genetics (formerly Invitae), Labcorp
Classification: Uncertain significance. Last evaluated: 2023-11-07. Review status: criteria provided, single submitter. Criteria: Invitae Variant Classification Sherloc (09022015). Collection method: clinical testing. Allele origin: germline.
Comment: This sequence change replaces serine, which is neutral and polar, with cysteine, which is neutral and slightly polar, at codon 28 of the THBD protein (p.Ser28Cys). This variant is not present in population databases (gnomAD no frequency). This variant has not been reported in the literature in individuals affected with THBD-related conditions. Advanced modeling of protein sequence and biophysical properties (such as structural, functional, and spatial information, amino acid conservation, physicochemical variation, residue mobility, and thermodynamic stability) performed at Invitae indicates that this missense variant is expected to disrupt THBD protein function with a positive predictive value of 80%. In summary, the available evidence is currently insufficient to determine the role of this variant in disease. Therefore, it has been classified as a Variant of Uncertain Significance.

NM_000361.3(THBD):c.82A>T (p.Ser28Cys)

Gene: THBD (thrombomodulin; minus strand). Cytogenetic location: 20p11.21.
Variant type: single nucleotide variant.
Coding change: c.82A>T on transcript NM_000361.3 (MANE Select); coding-DNA position 82, A replaced by T.
Protein change: p.Ser28Cys; replaces serine 28 with cysteine.
Molecular consequence: missense variant.
Genome position (GRCh38, 1-based): chr20:23,049,423, T>A on the plus strand (A>T on the coding strand, the complement: THBD is on the minus strand). VCF-style: chr20-23049423-T-A. GRCh37 (hg19) VCF-style: chr20-23030060-T-A.
Other names: short protein forms S28C.
Identifiers: ClinVar variation 2694126 (VCV002694126.3), dbSNP rs2515206117, ClinGen allele CA408408442.